The following is an entry in ClinVar:

ClinVar aggregate classification (germline): Uncertain significance. Review status: criteria provided, multiple submitters, no conflicts (2 of 4 stars). 2 submissions from 2 submitters: Uncertain significance (2). Last evaluated 2023-10-03.

Allele frequency attached by ClinVar (database versions not stated): gnomAD exomes below 0.00001; TOPMed 0.00001.
gnomAD v4.1: 8 of 1,613,438 alleles (0.0005%); highest among the groups gnomAD compares: Non-Finnish European, 0.00068%; no homozygotes.

Submissions (2):

Labcorp Genetics (formerly Invitae), Labcorp
Classification: Uncertain significance. Last evaluated: 2023-10-03. Review status: criteria provided, single submitter. Criteria: Invitae Variant Classification Sherloc (09022015). Collection method: clinical testing. Allele origin: germline.
Comment: This sequence change replaces leucine, which is neutral and non-polar, with proline, which is neutral and non-polar, at codon 4323 of the ADGRV1 protein (p.Leu4323Pro). This variant is present in population databases (no rsID available, gnomAD 0.0009%). This variant has not been reported in the literature in individuals affected with ADGRV1-related conditions. ClinVar contains an entry for this variant (Variation ID: 1386639). Advanced modeling of protein sequence and biophysical properties (such as structural, functional, and spatial information, amino acid conservation, physicochemical variation, residue mobility, and thermodynamic stability) performed at Invitae indicates that this missense variant is not expected to disrupt ADGRV1 protein function. In summary, the available evidence is currently insufficient to determine the role of this variant in disease. Therefore, it has been classified as a Variant of Uncertain Significance.

Blueprint Genetics
Classification: Uncertain significance. Last evaluated: 2019-06-22. Review status: criteria provided, single submitter. Criteria: ACMG Guidelines, 2015. Collection method: clinical testing. Allele origin: germline.

NM_032119.4(ADGRV1):c.12968T>C (p.Leu4323Pro)

Gene: ADGRV1 (adhesion G protein-coupled receptor V1; plus strand). Cytogenetic location: 5q14.3.
Variant type: single nucleotide variant.
Coding change: c.12968T>C on transcript NM_032119.4 (MANE Select); coding-DNA position 12968, T replaced by C.
Protein change: p.Leu4323Pro; replaces leucine 4323 with proline.
Molecular consequence: missense variant. On other transcripts: non-coding transcript variant (1).
Genome position (GRCh38, 1-based): chr5:90,778,983, T>C. VCF-style: chr5-90778983-T-C. GRCh37 (hg19) VCF-style: chr5-90074800-T-C.
Other names: short protein forms L4323P.
Identifiers: ClinVar variation 1386639 (VCV001386639.7), dbSNP rs903944859, ClinGen allele CA122804258.